The following is an entry in ClinVar:

ClinVar aggregate classification (germline): Conflicting classifications of pathogenicity. Review status: criteria provided, conflicting classifications (1 of 4 stars). 3 submissions from 3 submitters: Uncertain significance (1); Likely benign (2). Last evaluated 2023-07-01.

Conditions:
Developmental and epileptic encephalopathy, 12 (DEE12). Identifiers: MedGen C3150988, MONDO:0013389, OMIM 613722.

Allele frequency attached by ClinVar (database versions not stated): 1000 Genomes Project 0.00080; 1000 Genomes Project 30x 0.00141; TOPMed 0.00442; gnomAD 0.00652 and 0.00673; gnomAD exomes 0.00709.
gnomAD v4.1: 1,370 of 207,664 alleles (0.66%); highest among the groups gnomAD compares: Non-Finnish European, 0.92%; 13 homozygotes.

Submissions (3):

CeGaT Center for Human Genetics Tuebingen
Classification: Likely benign. Last evaluated: 2023-07-01. Review status: criteria provided, single submitter. Criteria: CeGaT Center For Human Genetics Tuebingen Variant Classification Criteria Version 2. Collection method: clinical testing. Allele origin: germline. Affected: yes. Observed: 8 variant alleles.
Comment: PLCB1: BS2

GeneDx
Classification: Likely benign. Last evaluated: 2020-12-07. Review status: criteria provided, single submitter. Criteria: GeneDx Variant Classification Process June 2021. Collection method: clinical testing. Allele origin: germline. Affected: yes.

Illumina Laboratory Services, Illumina
Classification: Uncertain significance for Developmental and epileptic encephalopathy, 12. Last evaluated: 2018-01-13. Review status: criteria provided, single submitter. Criteria: ICSL Variant Classification Criteria 13 December 2019. Collection method: clinical testing. Allele origin: germline.

NM_015192.4(PLCB1):c.-330C>T

Gene: PLCB1 (phospholipase C beta 1; plus strand). Cytogenetic location: 20p12.3.
Variant type: single nucleotide variant.
Coding change: c.-330C>T on transcript NM_015192.4 (MANE Select); 330 bases upstream of the start codon, C replaced by T.
Molecular consequence: 5 prime UTR variant.
Genome position (GRCh38, 1-based): chr20:8,132,322, C>T. VCF-style: chr20-8132322-C-T. GRCh37 (hg19) VCF-style: chr20-8112969-C-T.
Other names: c.-330C>T (NM_182734.3).
Identifiers: ClinVar variation 897290 (VCV000897290.34), dbSNP rs532302075, ClinGen allele CA311618390.
Genomic context (GRCh38, chr20:8,132,322, plus strand): 5'-TGTCACTCGCTCTCTCCCTCTGTGTATAGAGGATGTGCTGAATGGTGCGCTTTGAGGCGG[C>T]GGCGGCGGAGGAGCAGAATCCGCCGCGACTGGCAGCCTCGGCTGACCGGCTCGGCTTCTC-3'